The following is an entry in ClinVar:

NM_001651.4(AQP5):c.592C>T (p.Arg198Trp)

Gene: AQP5 (aquaporin 5; plus strand). Cytogenetic location: 12q13.12.
Variant type: single nucleotide variant.
Coding change: c.592C>T on transcript NM_001651.4 (MANE Select); coding-DNA position 592, C replaced by T.
Protein change: p.Arg198Trp; replaces arginine 198 with tryptophan.
Molecular consequence: missense variant.
Genome position (GRCh38, 1-based): chr12:49,964,155, C>T. VCF-style: chr12-49964155-C-T. GRCh37 (hg19) VCF-style: chr12-50357938-C-T.
Other names: short protein forms R198W.
Identifiers: ClinVar variation 2368867 (VCV002368867.6), dbSNP rs202006860, ClinGen allele CA6559576.

ClinVar aggregate classification (germline): Uncertain significance. Review status: criteria provided, multiple submitters, no conflicts (2 of 4 stars). 2 submissions from 2 submitters: Uncertain significance (2). Last evaluated 2025-08-24.

Allele frequency attached by ClinVar (database versions not stated): ExAC 0.00008; 1000 Genomes Project 30x 0.00016; 1000 Genomes Project 0.00020.

Submissions (2):

Ambry Genetics
Classification: Uncertain significance. Last evaluated: 2025-08-24. Review status: criteria provided, single submitter. Criteria: Ambry Variant Classification Scheme 2023. Collection method: clinical testing. Allele origin: germline.

Labcorp Genetics (formerly Invitae), Labcorp
Classification: Uncertain significance. Last evaluated: 2024-11-11. Review status: criteria provided, single submitter. Criteria: Invitae Variant Classification Sherloc (09022015). Collection method: clinical testing. Allele origin: germline.
Comment: This sequence change replaces arginine, which is basic and polar, with tryptophan, which is neutral and slightly polar, at codon 198 of the AQP5 protein (p.Arg198Trp). This variant is present in population databases (rs202006860, gnomAD 0.04%), and has an allele count higher than expected for a pathogenic variant. This variant has not been reported in the literature in individuals affected with AQP5-related conditions. ClinVar contains an entry for this variant (Variation ID: 2368867). Invitae Evidence Modeling of protein sequence and biophysical properties (such as structural, functional, and spatial information, amino acid conservation, physicochemical variation, residue mobility, and thermodynamic stability) indicates that this missense variant is not expected to disrupt AQP5 protein function with a negative predictive value of 80%. In summary, the available evidence is currently insufficient to determine the role of this variant in disease. Therefore, it has been classified as a Variant of Uncertain Significance.